The following is an entry in ClinVar:

ClinVar aggregate classification (germline): Likely benign. Review status: criteria provided, multiple submitters, no conflicts (2 of 4 stars). 2 submissions from 2 submitters: Likely benign (2). Last evaluated 2024-11-12.

Conditions:
Papillary renal cell carcinoma type 1 (RCCP1). Also called: Renal adenocarcinoma; Renal cell carcinoma 1; Renal cell carcinoma, somatic; RENAL CELL CARCINOMA, PAPILLARY, 1, SOMATIC. Identifiers: Orphanet 47044, MedGen C1336839, OMIM 605074, HP:0011797.

Allele frequency attached by ClinVar (database versions not stated): gnomAD exomes below 0.00001 and 0.00001; ExAC 0.00001; gnomAD 0.00004; TOPMed 0.00006.
gnomAD v4.1: 9 of 1,612,800 alleles (0.00056%); highest among the groups gnomAD compares: Admixed American, 0.0084%; no homozygotes.

Submissions (2):

Myriad Genetics, Inc.
Classification: Likely benign for Papillary renal cell carcinoma type 1. Last evaluated: 2024-11-12. Review status: criteria provided, single submitter. Criteria: Myriad Autosomal Dominant, Autosomal Recessive and X-Linked Classification Criteria (2023). Collection method: clinical testing. Allele origin: unknown.
Comment: This variant is considered likely benign. This variant is intronic and is not expected to impact mRNA splicing.

GeneDx
Classification: Likely benign. Last evaluated: 2017-06-02. Review status: criteria provided, single submitter. Criteria: GeneDx Variant Classification (06012015). Collection method: clinical testing. Allele origin: germline. Affected: yes.
Comment: This variant is considered likely benign or benign based on one or more of the following criteria: it is a conservative change, it occurs at a poorly conserved position in the protein, it is predicted to be benign by multiple in silico algorithms, and/or has population frequency not consistent with disease.

NM_000245.4(MET):c.2584-16T>C

Gene: MET (MET proto-oncogene, receptor tyrosine kinase; plus strand). Cytogenetic location: 7q31.2.
Variant type: single nucleotide variant.
Coding change: c.2584-16T>C on transcript NM_000245.4 (MANE Select); 16 bases into the intron before coding-DNA position 2584, T replaced by C.
Molecular consequence: intron variant.
Genome position (GRCh38, 1-based): chr7:116,769,629, T>C. VCF-style: chr7-116769629-T-C. GRCh37 (hg19) VCF-style: chr7-116409683-T-C.
Other names: c.2638-16T>C (NM_001127500.3); c.1294-16T>C (NM_001324402.2); c.2584-16T>C (NM_001324401.3).
Identifiers: ClinVar variation 517886 (VCV000517886.2), dbSNP rs766575983, ClinGen allele CA4448533.